The following is an entry in ClinVar:

NM_001040108.2(MLH3):c.215G>A (p.Arg72His)

Gene: MLH3 (mutL homolog 3; minus strand). Cytogenetic location: 14q24.3.
Variant type: single nucleotide variant.
Coding change: c.215G>A on transcript NM_001040108.2 (MANE Select); coding-DNA position 215, G replaced by A.
Protein change: p.Arg72His; replaces arginine 72 with histidine.
Molecular consequence: missense variant.
Genome position (GRCh38, 1-based): chr14:75,049,441, C>T on the plus strand (G>A on the coding strand, the complement: MLH3 is on the minus strand). VCF-style: chr14-75049441-C-T. GRCh37 (hg19) VCF-style: chr14-75516144-C-T.
Other names: c.215G>A, p.Arg72His (NM_014381.3); short protein forms R72H.
Identifiers: ClinVar variation 1786873 (VCV001786873.10), dbSNP rs748434126, ClinGen allele CA7276072.

ClinVar aggregate classification (germline): Uncertain significance. Review status: criteria provided, multiple submitters, no conflicts (2 of 4 stars). 2 submissions from 2 submitters: Uncertain significance (2). Last evaluated 2025-09-28.

Conditions:
Colorectal cancer, hereditary nonpolyposis, type 7. Identifiers: Orphanet 144, MedGen C1858380, MONDO:0013725, OMIM 614385.

Allele frequency attached by ClinVar (database versions not stated): ExAC 0.00002; TOPMed 0.00002; gnomAD 0.00006.

Submissions (2):

Ambry Genetics
Classification: Uncertain significance. Last evaluated: 2025-09-28. Review status: criteria provided, single submitter. Criteria: Ambry Variant Classification Scheme 2023. Collection method: clinical testing. Allele origin: germline.
Comment: The p.R72H variant (also known as c.215G>A), located in coding exon 1 of the MLH3 gene, results from a G to A substitution at nucleotide position 215. The arginine at codon 72 is replaced by histidine, an amino acid with highly similar properties. This amino acid position is conserved. In addition, the in silico prediction for this alteration is inconclusive. Since supporting evidence is limited at this time, the clinical significance of this alteration remains unclear.

Labcorp Genetics (formerly Invitae), Labcorp
Classification: Uncertain significance for Colorectal cancer, hereditary nonpolyposis, type 7. Last evaluated: 2022-05-08. Review status: criteria provided, single submitter. Criteria: Invitae Variant Classification Sherloc (09022015). Collection method: clinical testing. Allele origin: germline.
Comment: This variant has not been reported in the literature in individuals affected with MLH3-related conditions. This variant is present in population databases (rs748434126, gnomAD 0.005%). This sequence change replaces arginine, which is basic and polar, with histidine, which is basic and polar, at codon 72 of the MLH3 protein (p.Arg72His). In summary, the available evidence is currently insufficient to determine the role of this variant in disease. Therefore, it has been classified as a Variant of Uncertain Significance. Algorithms developed to predict the effect of missense changes on protein structure and function are either unavailable or do not agree on the potential impact of this missense change (SIFT: "Deleterious"; PolyPhen-2: "Probably Damaging"; Align-GVGD: "Class C0").